The following is an entry in ClinVar:

NM_014141.6(CNTNAP2):c.469C>T (p.Arg157Cys)

Gene: CNTNAP2 (contactin associated protein 2; plus strand). Cytogenetic location: 7q35.
Variant type: single nucleotide variant.
Coding change: c.469C>T on transcript NM_014141.6 (MANE Select); coding-DNA position 469, C replaced by T.
Protein change: p.Arg157Cys; replaces arginine 157 with cysteine.
Molecular consequence: missense variant.
Genome position (GRCh38, 1-based): chr7:147,043,973, C>T. VCF-style: chr7-147043973-C-T. GRCh37 (hg19) VCF-style: chr7-146741065-C-T.
Other names: short protein forms R157C.
Identifiers: ClinVar variation 3370192 (VCV003370192.1).

ClinVar aggregate classification (germline): Uncertain significance (1 of 4 stars; one submission).

Submission:

GeneDx
Classification: Uncertain significance. Last evaluated: 2024-01-04. Review status: criteria provided, single submitter. Criteria: GeneDx Variant Classification Process June 2021. Collection method: clinical testing. Allele origin: germline. Affected: yes.
Comment: Not observed at significant frequency in large population cohorts (gnomAD); In silico analysis supports that this missense variant has a deleterious effect on protein structure/function; This variant is associated with the following publications: (PMID: 24418192)